The following is an entry in ClinVar:

ClinVar aggregate classification (germline): Pathogenic. Review status: criteria provided, multiple submitters, no conflicts (2 of 4 stars). 4 submissions from 4 submitters: Pathogenic (4). Last evaluated 2025-07-14.

Conditions:
Duchenne muscular dystrophy (DMD). Also called: Duchenne Muscular Dystrophy (DMD); MUSCULAR DYSTROPHY, PSEUDOHYPERTROPHIC PROGRESSIVE, DUCHENNE TYPE. Identifiers: Orphanet 98896, MedGen C0013264, MONDO:0010679, OMIM 310200.

Submissions (4):

Labcorp Genetics (formerly Invitae), Labcorp
Classification: Pathogenic for Duchenne muscular dystrophy. Last evaluated: 2025-07-14. Review status: criteria provided, single submitter. Criteria: Invitae Variant Classification Sherloc (09022015). Collection method: clinical testing. Allele origin: germline.
Comment: This sequence change affects a donor splice site in intron 7 of the DMD gene. It is expected to disrupt RNA splicing. Variants that disrupt the donor or acceptor splice site typically lead to a loss of protein function (PMID: 16199547), and loss-of-function variants in DMD are known to be pathogenic (PMID: 16770791, 25007885). This variant is not present in population databases (gnomAD no frequency). Disruption of this splice site has been observed in individuals with Duchenne muscular dystrophy (PMID: 17253928, 34297739). ClinVar contains an entry for this variant (Variation ID: 284862). Algorithms developed to predict the effect of sequence changes on RNA splicing suggest that this variant may disrupt the consensus splice site. For these reasons, this variant has been classified as Pathogenic.

GeneDx
Classification: Pathogenic. Last evaluated: 2022-09-30. Review status: criteria provided, single submitter. Criteria: GeneDx Variant Classification Process June 2021. Collection method: clinical testing. Allele origin: germline. Affected: yes.
Comment: Canonical splice site variant predicted to result in a null allele in a gene for which loss of function is a known mechanism of disease; Not observed at significant frequency in large population cohorts (gnomAD); This variant is associated with the following publications: (PMID: 25525159, 34297739, 17253928)

Eurofins Ntd Llc (ga)
Classification: Pathogenic. Last evaluated: 2015-12-02. Review status: criteria provided, single submitter. Criteria: EGL Classification Definitions 2015. Collection method: clinical testing. Allele origin: germline. Observed: 2 variant alleles, 2 hemizygotes.

Kariminejad - Najmabadi Pathology & Genetics Center
Classification: Pathogenic for Duchenne muscular dystrophy. Review status: criteria provided, single submitter. Criteria: ACMG Guidelines, 2015. Collection method: clinical testing. Allele origin: germline. Affected: no.

Literature cited by the submitters: PubMed 16199547 (cited by Labcorp Genetics (formerly Invitae), Labcorp); PubMed 16770791 (cited by Labcorp Genetics (formerly Invitae), Labcorp); PubMed 25007885 (cited by Labcorp Genetics (formerly Invitae), Labcorp); PubMed 17253928 (cited by Labcorp Genetics (formerly Invitae), Labcorp); PubMed 34297739 (cited by Labcorp Genetics (formerly Invitae), Labcorp).

NM_004006.3(DMD):c.649+1G>T

Gene: DMD (dystrophin; minus strand). Cytogenetic location: Xp21.1.
Variant type: single nucleotide variant.
Coding change: c.649+1G>T on transcript NM_004006.3 (MANE Select); the canonical splice donor site of the intron after coding-DNA position 649, G replaced by T.
Molecular consequence: splice donor variant.
Genome position (GRCh38, 1-based): chrX:32,809,492, C>A on the plus strand (G>T on the coding strand, the complement: DMD is on the minus strand). VCF-style: chrX-32809492-C-A. GRCh37 (hg19) VCF-style: chrX-32827609-C-A.
Other names: c.625+1G>T (NM_000109.4); c.637+1G>T (NM_004009.3); c.280+1G>T (NM_004010.3).
Identifiers: ClinVar variation 284862 (VCV000284862.11), dbSNP rs398124032, ClinGen allele CA10604926.